The following is an entry in ClinVar:

ClinVar aggregate classification (germline): Pathogenic (1 of 4 stars; one submission).

Submission:

Labcorp Genetics (formerly Invitae), Labcorp
Classification: Pathogenic. Last evaluated: 2023-12-22. Review status: criteria provided, single submitter. Criteria: Invitae Variant Classification Sherloc (09022015). Collection method: clinical testing. Allele origin: germline.
Comment: This sequence change creates a premature translational stop signal (p.Glu11*) in the KCNJ11 gene. While this is not anticipated to result in nonsense mediated decay, it is expected to disrupt the last 380 amino acid(s) of the KCNJ11 protein. This variant is not present in population databases (gnomAD no frequency). This variant has not been reported in the literature in individuals affected with KCNJ11-related conditions. This variant disrupts a region of the KCNJ11 protein in which other variant(s) (p.Thr294Met) have been determined to be pathogenic (PMID: 20049716, 20589481, 20685672, 24434300). This suggests that this is a clinically significant region of the protein, and that variants that disrupt it are likely to be disease-causing. For these reasons, this variant has been classified as Pathogenic.

Literature cited by the submitters: PubMed 20049716; PubMed 20589481; PubMed 20685672; PubMed 24434300.

NM_000525.4(KCNJ11):c.31G>T (p.Glu11Ter)

Gene: KCNJ11 (potassium inwardly rectifying channel subfamily J member 11; minus strand). Cytogenetic location: 11p15.1.
Variant type: single nucleotide variant.
Coding change: c.31G>T on transcript NM_000525.4 (MANE Select); coding-DNA position 31, G replaced by T.
Protein change: p.Glu11Ter; replaces glutamic acid 11 with a stop codon.
Molecular consequence: nonsense. On other transcripts: 5 prime UTR variant (1), intron variant (2).
Genome position (GRCh38, 1-based): chr11:17,388,061, C>A on the plus strand (G>T on the coding strand, the complement: KCNJ11 is on the minus strand). VCF-style: chr11-17388061-C-A. GRCh37 (hg19) VCF-style: chr11-17409608-C-A.
Other names: c.-60G>T (NM_001377296.1); c.-16-215G>T (NM_001166290.2, NM_001377297.1); short protein forms E11*.
Identifiers: ClinVar variation 2704823 (VCV002704823.3), dbSNP rs542961309, ClinGen allele CA379777663.
Genomic context (GRCh38, chr11:17,388,061, plus strand): 5'-GCTGGCGGGCACGGTACCTGGGCTTGGCAGGGTCCTCTGCCAGGCGTGTCAGCACGTATT[C>A]CTCGGGGATGATGCCCTTGCGGGACAGCATGGCTCCGGTGACCCCCAGGGAGGGGCTTCC-3'